The following is an entry in ClinVar:

ClinVar aggregate classification (germline): Uncertain significance (1 of 4 stars; one submission).

Submission:

CeGaT Center for Human Genetics Tuebingen
Classification: Uncertain significance. Last evaluated: 2025-06-01. Review status: criteria provided, single submitter. Criteria: CeGaT Center For Human Genetics Tuebingen Variant Classification Criteria Version 2. Collection method: clinical testing. Allele origin: germline. Affected: yes. Observed: 1 variant allele.
Comment: ITSN2: PM2

NM_006277.3(ITSN2):c.2082-5T>C

Gene: ITSN2 (intersectin 2; minus strand). Cytogenetic location: 2p23.3.
Variant type: single nucleotide variant.
Coding change: c.2082-5T>C on transcript NM_006277.3 (MANE Select); 5 bases into the intron before coding-DNA position 2082, T replaced by C.
Molecular consequence: intron variant.
Genome position (GRCh38, 1-based): chr2:24,271,946, A>G on the plus strand (T>C on the coding strand, the complement: ITSN2 is on the minus strand). VCF-style: chr2-24271946-A-G. GRCh37 (hg19) VCF-style: chr2-24494815-A-G.
Other names: c.2001-5T>C (NM_001348182.2, NM_019595.4, NM_001348186.2 and 1 more transcripts); c.2040-5T>C (NM_001348181.2); c.2082-5T>C (NM_147152.3, NM_001348185.2); c.1959-5T>C (NM_001348184.2).
Identifiers: ClinVar variation 4084288 (VCV004084288.8).